The following is an entry in ClinVar:

ClinVar aggregate classification (germline): Likely benign. Review status: criteria provided, multiple submitters, no conflicts (2 of 4 stars). 3 submissions from 3 submitters: Likely benign (3). Last evaluated 2025-11-27.

Conditions:
Hereditary cancer-predisposing syndrome. Also called: Tumor predisposition; Hereditary Cancer Syndrome; Neoplastic Syndromes, Hereditary; Hereditary neoplastic syndrome. Identifiers: Orphanet 140162, MedGen C0027672, MeSH D009386, MONDO:0015356.
Multiple endocrine neoplasia, type 1 (MEN1). Also called: Endocrine adenomatosis multiple; MEN 1; MEN I; WERMER SYNDROME; MEA I. Identifiers: Orphanet 652, MedGen C0025267, MeSH D018761, MONDO:0007540, OMIM 131100.

Allele frequency attached by ClinVar (database versions not stated): TOPMed 0.00001.
gnomAD v4.1: 59 of 1,614,034 alleles (0.0037%); highest among the groups gnomAD compares: Non-Finnish European, 0.0049%; no homozygotes.

Submissions (3):

Labcorp Genetics (formerly Invitae), Labcorp
Classification: Likely benign for Multiple endocrine neoplasia, type 1. Last evaluated: 2025-11-27. Review status: criteria provided, single submitter. Criteria: Invitae Variant Classification Sherloc (09022015). Collection method: clinical testing. Allele origin: germline.

All of Us Research Program, National Institutes of Health
Classification: Likely benign for Multiple endocrine neoplasia, type 1. Last evaluated: 2023-10-27. Review status: criteria provided, single submitter. Criteria: ACMG Guidelines, 2015. Collection method: clinical testing. Allele origin: germline. Inheritance: Autosomal dominant inheritance. Observed: 2 variant alleles, 2 heterozygotes.
Comment: This study involves interpretation of variants in research participants for the purpose of population health screening. Participant phenotype was not available at the time of variant classification. Additional details can be found in publication PMID: 35346344, PMCID: PMC8962531

Ambry Genetics
Classification: Likely benign for Hereditary cancer-predisposing syndrome. Last evaluated: 2016-06-08. Review status: criteria provided, single submitter. Criteria: Ambry Variant Classification Scheme 2023. Collection method: clinical testing. Allele origin: germline.

NM_001370259.2(MEN1):c.759G>T (p.Ser253=)

Gene: MEN1 (menin 1; minus strand). Cytogenetic location: 11q13.1.
Variant type: single nucleotide variant.
Coding change: c.759G>T on transcript NM_001370259.2 (MANE Select); coding-DNA position 759, G replaced by T.
Protein change: p.Ser253=; no amino-acid change (serine 253 retained).
Molecular consequence: synonymous variant.
Genome position (GRCh38, 1-based): chr11:64,807,576, C>A on the plus strand (G>T on the coding strand, the complement: MEN1 is on the minus strand). VCF-style: chr11-64807576-C-A. GRCh37 (hg19) VCF-style: chr11-64575048-C-A.
Other names: c.774G>T, p.Ser258= (NM_000244.4, NM_130800.3, NM_130801.3 and 3 more transcripts); c.759G>T, p.Ser253= (NM_001370251.2, NM_001370260.2, NM_001370261.2 and 1 more transcripts); c.654G>T, p.Ser218= (NM_001370262.2, NM_001370263.2).
Identifiers: ClinVar variation 215965 (VCV000215965.27), dbSNP rs201829546, ClinGen allele CA061514.